The following is an entry in ClinVar:

NM_014669.5(NUP93):c.1519G>A (p.Gly507Arg)

Gene: NUP93 (nucleoporin 93; plus strand). Cytogenetic location: 16q13.
Variant type: single nucleotide variant.
Coding change: c.1519G>A on transcript NM_014669.5 (MANE Select); coding-DNA position 1519, G replaced by A.
Protein change: p.Gly507Arg; replaces glycine 507 with arginine.
Molecular consequence: missense variant.
Genome position (GRCh38, 1-based): chr16:56,833,388, G>A. VCF-style: chr16-56833388-G-A. GRCh37 (hg19) VCF-style: chr16-56867300-G-A.
Other names: c.1150G>A, p.Gly384Arg (NM_001242795.2, NM_001242796.2); short protein forms G507R, G384R.
Identifiers: ClinVar variation 2038967 (VCV002038967.4), dbSNP rs2544060948, ClinGen allele CA395990426.

ClinVar aggregate classification (germline): Uncertain significance (1 of 4 stars; one submission).

Submission:

Labcorp Genetics (formerly Invitae), Labcorp
Classification: Uncertain significance. Last evaluated: 2021-12-09. Review status: criteria provided, single submitter. Criteria: Invitae Variant Classification Sherloc (09022015). Collection method: clinical testing. Allele origin: germline.
Comment: In summary, the available evidence is currently insufficient to determine the role of this variant in disease. Therefore, it has been classified as a Variant of Uncertain Significance. Algorithms developed to predict the effect of sequence changes on RNA splicing suggest that this variant may create or strengthen a splice site. Algorithms developed to predict the effect of missense changes on protein structure and function (SIFT, PolyPhen-2, Align-GVGD) all suggest that this variant is likely to be tolerated. This variant has not been reported in the literature in individuals affected with NUP93-related conditions. This variant is not present in population databases (gnomAD no frequency). This sequence change replaces glycine, which is neutral and non-polar, with arginine, which is basic and polar, at codon 507 of the NUP93 protein (p.Gly507Arg).